The following is an entry in ClinVar:

ClinVar aggregate classification (germline): Uncertain significance (1 of 4 stars; one submission).

Conditions:
Baller-Gerold syndrome (BGS). Also called: CRANIOSYNOSTOSIS WITH RADIAL DEFECTS. Identifiers: Orphanet 1225, MedGen C0265308, MONDO:0009039, OMIM 218600.

Submission:

Labcorp Genetics (formerly Invitae), Labcorp
Classification: Uncertain significance for Baller-Gerold syndrome. Last evaluated: 2021-09-19. Review status: criteria provided, single submitter. Criteria: Invitae Variant Classification Sherloc (09022015). Collection method: clinical testing. Allele origin: germline.
Comment: In summary, the available evidence is currently insufficient to determine the role of this variant in disease. Therefore, it has been classified as a Variant of Uncertain Significance. Experimental studies and prediction algorithms are not available or were not evaluated, and the functional significance of this variant is currently unknown. This variant has not been reported in the literature in individuals affected with RECQL4-related conditions. This variant is not present in population databases (ExAC no frequency). This sequence change replaces alanine with proline at codon 717 of the RECQL4 protein (p.Ala717Pro). The alanine residue is moderately conserved and there is a small physicochemical difference between alanine and proline.

NM_004260.4(RECQL4):c.2149G>C (p.Ala717Pro)

Gene: RECQL4 (RecQ like helicase 4; minus strand). Cytogenetic location: 8q24.3.
Variant type: single nucleotide variant.
Coding change: c.2149G>C on transcript NM_004260.4 (MANE Select); coding-DNA position 2149, G replaced by C.
Protein change: p.Ala717Pro; replaces alanine 717 with proline.
Molecular consequence: missense variant.
Genome position (GRCh38, 1-based): chr8:144,513,622, C>G on the plus strand (G>C on the coding strand, the complement: RECQL4 is on the minus strand). VCF-style: chr8-144513622-C-G. GRCh37 (hg19) VCF-style: chr8-145739006-C-G.
Other names: short protein forms A717P.
Identifiers: ClinVar variation 1382192 (VCV001382192.6), dbSNP rs970075256, ClinGen allele CA372679742.